The following is an entry in ClinVar:

NC_000002.11:g.(?_74177650)_(74185863_?)del

Gene: DGUOK (deoxyguanosine kinase; plus strand). Cytogenetic location: 2p13.1.
Variant type: Deletion.
Identifiers: ClinVar variation 3247581 (VCV003247581.1).

ClinVar aggregate classification (germline): Pathogenic (1 of 4 stars; one submission).

Submission:

Labcorp Genetics (formerly Invitae), Labcorp
Classification: Pathogenic. Last evaluated: 2023-03-29. Review status: criteria provided, single submitter. Criteria: Invitae Variant Classification Sherloc (09022015). Collection method: clinical testing. Allele origin: unknown.
Comment: For these reasons, this variant has been classified as Pathogenic. This variant disrupts a region of the DGUOK protein in which other variant(s) (p.Phe256*) have been determined to be pathogenic (PMID: 16263314, 17073823, 18205204, 24321534). This suggests that this is a clinically significant region of the protein, and that variants that disrupt it are likely to be disease-causing. This variant has not been reported in the literature in individuals affected with DGUOK-related conditions. This variant is a gross deletion of the genomic region encompassing exon(s) 4-7 of the DGUOK gene, which includes the termination codon. This deletion extends beyond the assayed region for this gene and therefore may encompass additional genes. While this deletion is not anticipated to lead to nonsense mediated decay, it is expected to alter mRNA translation or result in a truncated protein product.

Literature cited by the submitters: PubMed 16263314; PubMed 17073823; PubMed 18205204; PubMed 24321534.